The following is an entry in ClinVar:

ClinVar aggregate classification (germline): Uncertain significance (1 of 4 stars; one submission).

Conditions:
Inborn genetic diseases. Identifiers: MedGen C0950123, MeSH D030342.

Allele frequency attached by ClinVar (database versions not stated): ExAC 0.00002.
gnomAD v4.1: 2 of 1,614,034 alleles (0.00012%); highest among the groups gnomAD compares: African/African-American, 0.0027%; no homozygotes.

Submission:

Ambry Genetics
Classification: Uncertain significance for Inborn genetic diseases. Last evaluated: 2022-08-13. Review status: criteria provided, single submitter. Criteria: Ambry Variant Classification Scheme 2023. Collection method: clinical testing. Allele origin: germline.
Comment: The p.R602G variant (also known as c.1804C>G), located in coding exon 12 of the EPAS1 gene, results from a C to G substitution at nucleotide position 1804. The arginine at codon 602 is replaced by glycine, an amino acid with dissimilar properties. This amino acid position is conserved. In addition, this alteration is predicted to be tolerated by in silico analysis. Since supporting evidence is limited at this time, the clinical significance of this alteration remains unclear.

NM_001430.5(EPAS1):c.1804C>G (p.Arg602Gly)

Gene: EPAS1 (endothelial PAS domain protein 1; plus strand). Cytogenetic location: 2p21.
Variant type: single nucleotide variant.
Coding change: c.1804C>G on transcript NM_001430.5 (MANE Select); coding-DNA position 1804, C replaced by G.
Protein change: p.Arg602Gly; replaces arginine 602 with glycine.
Molecular consequence: missense variant.
Genome position (GRCh38, 1-based): chr2:46,380,476, C>G. VCF-style: chr2-46380476-C-G. GRCh37 (hg19) VCF-style: chr2-46607615-C-G.
Other names: short protein forms R602G.
Identifiers: ClinVar variation 1780452 (VCV001780452.2), dbSNP rs201987694, ClinGen allele CA1645114.